The following is an entry in ClinVar:

NM_000182.5(HADHA):c.1393G>C (p.Val465Leu)

Genes: GAREM2 (GRB2 associated regulator of MAPK1 subtype 2; plus strand), HADHA (hydroxyacyl-CoA dehydrogenase trifunctional multienzyme complex subunit alpha; minus strand). Cytogenetic location: 2p23.3.
Variant type: single nucleotide variant.
Coding change: c.1393G>C on transcript NM_000182.5 (MANE Select); coding-DNA position 1393, G replaced by C.
Protein change: p.Val465Leu; replaces valine 465 with leucine.
Molecular consequence: missense variant.
Genome position (GRCh38, 1-based): chr2:26,197,777, C>G on the plus strand (G>C on the coding strand, the complement: HADHA is on the minus strand). VCF-style: chr2-26197777-C-G. GRCh37 (hg19) VCF-style: chr2-26420646-C-G.
Other names: short protein forms V465L.
Identifiers: ClinVar variation 1427884 (VCV001427884.5), dbSNP rs1226499517, ClinGen allele CA346124225.

ClinVar aggregate classification (germline): Uncertain significance (1 of 4 stars; one submission).

Conditions:
Mitochondrial trifunctional protein deficiency. Identifiers: Orphanet 746, MedGen C1969443, MONDO:0012172.
Long chain 3-hydroxyacyl-CoA dehydrogenase deficiency. Also called: LCHAD Deficiency; Deficiency of long-chain 3-hydroxyacyl-coenzyme A dehydrogenase. Identifiers: Orphanet 5, MedGen C3711645, MONDO:0012173, OMIM 609016.

Submission:

Labcorp Genetics (formerly Invitae), Labcorp
Classification: Uncertain significance for Mitochondrial trifunctional protein deficiency; Long chain 3-hydroxyacyl-CoA dehydrogenase deficiency. Last evaluated: 2021-09-17. Review status: criteria provided, single submitter. Criteria: Invitae Variant Classification Sherloc (09022015). Collection method: clinical testing. Allele origin: germline.
Comment: This sequence change replaces valine with leucine at codon 465 of the HADHA protein (p.Val465Leu). The valine residue is highly conserved and there is a small physicochemical difference between valine and leucine. This variant is not present in population databases (ExAC no frequency). This variant has not been reported in the literature in individuals with HADHA-related conditions. Algorithms developed to predict the effect of missense changes on protein structure and function output the following: SIFT: "Deleterious"; PolyPhen-2: "Benign"; Align-GVGD: "Class C0". The leucine amino acid residue is found in multiple mammalian species, suggesting that this missense change does not adversely affect protein function. These predictions have not been confirmed by published functional studies and their clinical significance is uncertain. In summary, the available evidence is currently insufficient to determine the role of this variant in disease. Therefore, it has been classified as a Variant of Uncertain Significance.